The following is an entry in ClinVar:

NM_207352.4(CYP4V2):c.283G>C (p.Gly95Arg)

Gene: CYP4V2 (cytochrome P450 family 4 subfamily V member 2; plus strand). Cytogenetic location: 4q35.1.
Variant type: single nucleotide variant.
Coding change: c.283G>C on transcript NM_207352.4 (MANE Select); coding-DNA position 283, G replaced by C.
Protein change: p.Gly95Arg; replaces glycine 95 with arginine.
Molecular consequence: missense variant.
Genome position (GRCh38, 1-based): chr4:186,194,568, G>C. VCF-style: chr4-186194568-G-C. GRCh37 (hg19) VCF-style: chr4-187115722-G-C.
Other names: short protein forms G95R.
Identifiers: ClinVar variation 3239433 (VCV003239433.20), dbSNP rs199476187.

ClinVar aggregate classification (germline): Likely pathogenic. Review status: criteria provided, multiple submitters, no conflicts (2 of 4 stars). 2 submissions from 2 submitters: Likely pathogenic (2). Last evaluated 2024-05-01.

Conditions:
CYP4V2-related disorder. Also called: CYP4V2-related condition; CYP4V2-related disorders.

Submissions (2):

CeGaT Center for Human Genetics Tuebingen
Classification: Likely pathogenic. Last evaluated: 2024-05-01. Review status: criteria provided, single submitter. Criteria: CeGaT Center For Human Genetics Tuebingen Variant Classification Criteria Version 2. Collection method: clinical testing. Allele origin: germline. Affected: yes. Observed: 1 variant allele.
Comment: CYP4V2: PS1, PM2, PP4:Moderate

Blueprint Genetics
Classification: Likely pathogenic for CYP4V2-related disorders. Last evaluated: 2021-08-25. Review status: criteria provided, single submitter. Criteria: ACMG Guidelines, 2015. Collection method: clinical testing. Allele origin: germline. Affected: yes. Observed: 2 variant alleles.